The following is an entry in ClinVar:

ClinVar aggregate classification (germline): Conflicting classifications of pathogenicity. Review status: criteria provided, conflicting classifications (1 of 4 stars). 5 submissions from 5 submitters: Pathogenic (1); Likely pathogenic (2); Uncertain significance (1). 1 of the submissions does not count toward it. Last evaluated 2024-06-01.

Conditions:
COL4A4-related disorder.
Autosomal recessive Alport syndrome (ATS2). Also called: ALPORT SYNDROME 2, AUTOSOMAL RECESSIVE; COL4A3-Related Nephropathy; Alport syndrome type 2; COL4A4 Alport Syndrome and Thin Basement Membrane Nephropathy. Identifiers: Orphanet 63, Orphanet 88919, MedGen C4746745, MONDO:0008762, OMIM 203780.
Hematuria, benign familial, 1 (BFH1). Also called: THIN MEMBRANE NEPHROPATHY. Identifiers: MedGen CN376803, MONDO:0007709, OMIM 141200.

gnomAD v4.1: 1 of 1,614,120 alleles (0.000062%); highest among the groups gnomAD compares: Non-Finnish European, 0.000085%; no homozygotes.

Submissions (5):

Fulgent Genetics
Classification: Likely pathogenic for Hematuria, benign familial, 1; Autosomal recessive Alport syndrome. Last evaluated: 2024-06-01. Review status: criteria provided, single submitter. Criteria: ACMG Guidelines, 2015. Collection method: clinical testing. Allele origin: germline.

Labcorp Genetics (formerly Invitae), Labcorp
Classification: Uncertain significance. Last evaluated: 2024-04-07. Review status: criteria provided, single submitter. Criteria: Invitae Variant Classification Sherloc (09022015). Collection method: clinical testing. Allele origin: germline.
Comment: This sequence change replaces glycine, which is neutral and non-polar, with valine, which is neutral and non-polar, at codon 801 of the COL4A4 protein (p.Gly801Val). This variant is not present in population databases (gnomAD no frequency). This missense change has been observed in individual(s) with clinical features of COL4A4-related conditions (Invitae). ClinVar contains an entry for this variant (Variation ID: 992405). Advanced modeling of protein sequence and biophysical properties (such as structural, functional, and spatial information, amino acid conservation, physicochemical variation, residue mobility, and thermodynamic stability) performed at Invitae indicates that this missense variant is expected to disrupt COL4A4 protein function with a positive predictive value of 95%. Algorithms developed to predict the effect of sequence changes on RNA splicing suggest that this variant may create or strengthen a splice site. In summary, the available evidence is currently insufficient to determine the role of this variant in disease. Therefore, it has been classified as a Variant of Uncertain Significance.

Blueprint Genetics
Classification: Likely pathogenic for COL4A4-related disorders. Last evaluated: 2024-01-05. Review status: criteria provided, single submitter. Criteria: ACMG Guidelines, 2015. Collection method: clinical testing. Allele origin: germline. Affected: yes. Observed: 2 variant alleles.

GeneDx
Classification: Pathogenic. Last evaluated: 2023-07-11. Review status: criteria provided, single submitter. Criteria: GeneDx Variant Classification Process June 2021. Collection method: clinical testing. Allele origin: germline. Affected: yes.
Comment: Affects a glycine residue in a Gly-X-Y motif in the triple helical region of the COL4A4 gene, where the majority of pathogenic missense variants occur, and is predicted to disrupt normal protein folding and function (HGMD, Jais et al., 2000); Not observed in large population cohorts (gnomAD); In addition, in silico splice predictors suggest this variant may lead to abnormal gene splicing; In silico analysis, which includes protein predictors and evolutionary conservation, supports a deleterious effect; Has not been previously published as pathogenic or benign to our knowledge; This variant is associated with the following publications: (PMID: 24077912, 10752524)

Bioscientia Institut fuer Medizinische Diagnostik GmbH, Sonic Healthcare
Classification: Likely pathogenic for Autosomal recessive Alport syndrome. Last evaluated: 2020-06-26. Review status: no assertion criteria provided. Collection method: clinical testing. Allele origin: germline. Affected: yes. Not counted in ClinVar's aggregate classification.

NM_000092.5(COL4A4):c.2402G>T (p.Gly801Val)

Gene: COL4A4 (collagen type IV alpha 4 chain; minus strand). Cytogenetic location: 2q36.3.
Variant type: single nucleotide variant.
Coding change: c.2402G>T on transcript NM_000092.5 (MANE Select); coding-DNA position 2402, G replaced by T.
Protein change: p.Gly801Val; replaces glycine 801 with valine.
Molecular consequence: missense variant.
Genome position (GRCh38, 1-based): chr2:227,057,582, C>A on the plus strand (G>T on the coding strand, the complement: COL4A4 is on the minus strand). VCF-style: chr2-227057582-C-A. GRCh37 (hg19) VCF-style: chr2-227922298-C-A.
Other names: c.2402G>T (NM_000092.4); short protein forms G801V.
Identifiers: ClinVar variation 992405 (VCV000992405.12), dbSNP rs200814061, ClinGen allele CA350841501.
Genomic context (GRCh38, chr2:227,057,582, plus strand): 5'-GGGACACCTGGAAACCCAGCATGTCCCTCTCTGCCTTTGGGACCTTTGAGACCTAGGAAT[C>A]CAGGAATGCCAGCTGGCCCTGAAATGATACAATACATCCATGACATTCATGACAAAAAAC-3'
Protein context (NP_000083.3, residues 791-811): PGAEGPAGIP[Gly801Val]FLGLKGPKGR